The following is an entry in ClinVar:

NM_001127671.2(LIFR):c.184G>A (p.Val62Met)

Gene: LIFR (LIF receptor subunit alpha; minus strand). Cytogenetic location: 5p13.1.
Variant type: single nucleotide variant.
Coding change: c.184G>A on transcript NM_001127671.2 (MANE Select); coding-DNA position 184, G replaced by A.
Protein change: p.Val62Met; replaces valine 62 with methionine.
Molecular consequence: missense variant.
Genome position (GRCh38, 1-based): chr5:38,528,799, C>T on the plus strand (G>A on the coding strand, the complement: LIFR is on the minus strand). VCF-style: chr5-38528799-C-T. GRCh37 (hg19) VCF-style: chr5-38528901-C-T.
Other names: c.184G>A, p.Val62Met (NM_001364297.2, NM_001364298.2, NM_002310.6); short protein forms V62M.
Identifiers: ClinVar variation 2117423 (VCV002117423.4), dbSNP rs2531137930, ClinGen allele CA359616024.

ClinVar aggregate classification (germline): Uncertain significance (1 of 4 stars; one submission).

Allele frequency attached by ClinVar (database versions not stated): gnomAD exomes below 0.00001.
gnomAD v4.1: 1 of 1,590,012 alleles (0.000063%); highest among the groups gnomAD compares: South Asian, 0.0011%; no homozygotes.

Submission:

Labcorp Genetics (formerly Invitae), Labcorp
Classification: Uncertain significance. Last evaluated: 2022-05-25. Review status: criteria provided, single submitter. Criteria: Invitae Variant Classification Sherloc (09022015). Collection method: clinical testing. Allele origin: germline.
Comment: This sequence change replaces valine, which is neutral and non-polar, with methionine, which is neutral and non-polar, at codon 62 of the LIFR protein (p.Val62Met). In summary, the available evidence is currently insufficient to determine the role of this variant in disease. Therefore, it has been classified as a Variant of Uncertain Significance. Algorithms developed to predict the effect of missense changes on protein structure and function (SIFT, PolyPhen-2, Align-GVGD) all suggest that this variant is likely to be tolerated. This variant has not been reported in the literature in individuals affected with LIFR-related conditions. This variant is not present in population databases (gnomAD no frequency).